The following is an entry in ClinVar:

NM_001378452.1(ITPR1):c.7543T>G (p.Ser2515Ala)

Gene: ITPR1 (inositol 1,4,5-trisphosphate receptor type 1; plus strand). Cytogenetic location: 3p26.1.
Variant type: single nucleotide variant.
Coding change: c.7543T>G on transcript NM_001378452.1 (MANE Select); coding-DNA position 7543, T replaced by G.
Protein change: p.Ser2515Ala; replaces serine 2515 with alanine.
Molecular consequence: missense variant.
Genome position (GRCh38, 1-based): chr3:4,813,216, T>G. VCF-style: chr3-4813216-T-G. GRCh37 (hg19) VCF-style: chr3-4854900-T-G.
Other names: c.7498T>G, p.Ser2500Ala (NM_001168272.2); c.7354T>G, p.Ser2452Ala (NM_002222.7); c.7399T>G, p.Ser2467Ala (NM_001099952.4); short protein forms S2452A, S2467A, S2515A, S2500A.
Identifiers: ClinVar variation 2849231 (VCV002849231.3), dbSNP rs1042481772, ClinGen allele CA68844579.

ClinVar aggregate classification (germline): Uncertain significance (1 of 4 stars; one submission).

Allele frequency attached by ClinVar (database versions not stated): gnomAD exomes 0.00001.
gnomAD v4.1: 3 of 1,611,764 alleles (0.00019%); highest among the groups gnomAD compares: Middle Eastern, 0.017%; no homozygotes.

Submission:

Labcorp Genetics (formerly Invitae), Labcorp
Classification: Uncertain significance. Last evaluated: 2024-01-08. Review status: criteria provided, single submitter. Criteria: Invitae Variant Classification Sherloc (09022015). Collection method: clinical testing. Allele origin: germline.
Comment: This sequence change replaces serine, which is neutral and polar, with alanine, which is neutral and non-polar, at codon 2452 of the ITPR1 protein (p.Ser2452Ala). This variant is present in population databases (no rsID available, gnomAD 0.0009%). This variant has not been reported in the literature in individuals affected with ITPR1-related conditions. Advanced modeling of protein sequence and biophysical properties (such as structural, functional, and spatial information, amino acid conservation, physicochemical variation, residue mobility, and thermodynamic stability) performed at Invitae indicates that this missense variant is not expected to disrupt ITPR1 protein function with a negative predictive value of 95%. In summary, the available evidence is currently insufficient to determine the role of this variant in disease. Therefore, it has been classified as a Variant of Uncertain Significance.